The following is an entry in ClinVar:

ClinVar aggregate classification (germline): Benign/Likely benign. Review status: criteria provided, multiple submitters, no conflicts (2 of 4 stars). 2 submissions from 2 submitters: Benign (1); Likely benign (1). Last evaluated 2026-06-01.

Allele frequency attached by ClinVar (database versions not stated): gnomAD 0.00029; ESP Exome Variant Server 0.00038; TOPMed 0.00040; 1000 Genomes Project 0.00160; 1000 Genomes Project 30x 0.00172.
gnomAD v4.1: 756 of 1,613,560 alleles (0.047%); highest among the groups gnomAD compares: Admixed American, 0.32%; 3 homozygotes.

Submissions (2):

CeGaT Center for Human Genetics Tuebingen
Classification: Likely benign. Last evaluated: 2026-06-01. Review status: criteria provided, single submitter. Criteria: CeGaT Center For Human Genetics Tuebingen Variant Classification Criteria Version 2. Collection method: clinical testing. Allele origin: germline. Affected: yes. Observed: 2 variant alleles.
Comment: BRF1: BP4, BP7

Labcorp Genetics (formerly Invitae), Labcorp
Classification: Benign. Last evaluated: 2019-12-31. Review status: criteria provided, single submitter. Criteria: Invitae Variant Classification Sherloc (09022015). Collection method: clinical testing. Allele origin: germline.

NM_001519.4(BRF1):c.243G>C (p.Ser81=)

Gene: BRF1 (BRF1 general transcription factor IIIB subunit; minus strand). Cytogenetic location: 14q32.33.
Variant type: single nucleotide variant.
Coding change: c.243G>C on transcript NM_001519.4 (MANE Select); coding-DNA position 243, G replaced by C.
Protein change: p.Ser81=; no amino-acid change (serine 81 retained).
Molecular consequence: synonymous variant. On other transcripts: 5 prime UTR variant (2), intron variant (1).
Genome position (GRCh38, 1-based): chr14:105,286,318, C>G on the plus strand (G>C on the coding strand, the complement: BRF1 is on the minus strand). VCF-style: chr14-105286318-C-G. GRCh37 (hg19) VCF-style: chr14-105752655-C-G.
Other names: c.-103G>C (NM_001242786.2, NM_001242787.2); c.243G>C, p.Ser81= (NM_001242790.2); c.185-13424G>C (NM_001242788.2).
Identifiers: ClinVar variation 724015 (VCV000724015.6), dbSNP rs138084196, ClinGen allele CA7388202.